The following is an entry in ClinVar:

ClinVar aggregate classification (germline): Uncertain significance (1 of 4 stars; one submission).

Conditions:
Epidermodysplasia verruciformis. Identifiers: Orphanet 302, MedGen C0014522, MONDO:0009176.

gnomAD v4.1: 5 of 1,557,718 alleles (0.00032%); highest among the groups gnomAD compares: African/African-American, 0.0054%; no homozygotes.

Submission:

Labcorp Genetics (formerly Invitae), Labcorp
Classification: Uncertain significance for Epidermodysplasia verruciformis. Last evaluated: 2022-07-25. Review status: criteria provided, single submitter. Criteria: Invitae Variant Classification Sherloc (09022015). Collection method: clinical testing. Allele origin: germline.
Comment: This sequence change replaces alanine, which is neutral and non-polar, with threonine, which is neutral and polar, at codon 794 of the TMC6 protein (p.Ala794Thr). The frequency data for this variant in the population databases is considered unreliable, as metrics indicate poor data quality at this position in the gnomAD database. This variant has not been reported in the literature in individuals affected with TMC6-related conditions. Algorithms developed to predict the effect of missense changes on protein structure and function output the following: SIFT: "Not Available"; PolyPhen-2: "Benign"; Align-GVGD: "Not Available". The threonine amino acid residue is found in multiple mammalian species, which suggests that this missense change does not adversely affect protein function. In summary, the available evidence is currently insufficient to determine the role of this variant in disease. Therefore, it has been classified as a Variant of Uncertain Significance.

NM_001127198.5(TMC6):c.2380G>A (p.Ala794Thr)

Gene: TMC6 (transmembrane channel like 6; minus strand). Cytogenetic location: 17q25.3.
Variant type: single nucleotide variant.
Coding change: c.2380G>A on transcript NM_001127198.5 (MANE Select); coding-DNA position 2380, G replaced by A.
Protein change: p.Ala794Thr; replaces alanine 794 with threonine.
Molecular consequence: missense variant. On other transcripts: non-coding transcript variant (4).
Genome position (GRCh38, 1-based): chr17:78,113,186, C>T on the plus strand (G>A on the coding strand, the complement: TMC6 is on the minus strand). VCF-style: chr17-78113186-C-T. GRCh37 (hg19) VCF-style: chr17-76109267-C-T.
Other names: c.2380G>A, p.Ala794Thr (NM_001321185.1, NM_001374596.1, NM_001375353.1 and 2 more transcripts); c.2200G>A, p.Ala734Thr (NM_001374593.1, NM_001374594.1); short protein forms A794T, A734T.
Identifiers: ClinVar variation 2065611 (VCV002065611.1), dbSNP rs112660101, ClinGen allele CA8795286.
Genomic context (GRCh38, chr17:78,113,186, plus strand): 5'-CGTGAGGCCCATCGCCGTCCCCCTAGGCATCCTGTTCATCTGTGAGCAGGGCAGGGGGTG[C>T]CGCAGCCTCCTCGGTTGTCCCAACCCTGCCAGAAAGAGACATCACTGAGGGGACCCCATA-3'
Protein context (NP_001120670.1, residues 784-804): SRVGTTEEAA[Ala794Thr]PPALLTDEQD